The following is an entry in ClinVar:

NM_005337.5(NCKAP1L):c.308A>G (p.Asp103Gly)

Gene: NCKAP1L (NCK associated protein 1 like; plus strand). Cytogenetic location: 12q13.2.
Variant type: single nucleotide variant.
Coding change: c.308A>G on transcript NM_005337.5 (MANE Select); coding-DNA position 308, A replaced by G.
Protein change: p.Asp103Gly; replaces aspartic acid 103 with glycine.
Molecular consequence: missense variant.
Genome position (GRCh38, 1-based): chr12:54,507,854, A>G. VCF-style: chr12-54507854-A-G. GRCh37 (hg19) VCF-style: chr12-54901638-A-G.
Other names: c.158A>G, p.Asp53Gly (NM_001184976.2); short protein forms D103G, D53G.
Identifiers: ClinVar variation 2041614 (VCV002041614.4), dbSNP rs748465043, ClinGen allele CA6608787.

ClinVar aggregate classification (germline): Uncertain significance (1 of 4 stars; one submission).

Allele frequency attached by ClinVar (database versions not stated): gnomAD exomes below 0.00001; ExAC 0.00001; gnomAD 0.00001; TOPMed 0.00001.
gnomAD v4.1: 3 of 1,613,562 alleles (0.00019%); highest among the groups gnomAD compares: African/African-American, 0.0027%; no homozygotes.

Submission:

Labcorp Genetics (formerly Invitae), Labcorp
Classification: Uncertain significance. Last evaluated: 2023-10-13. Review status: criteria provided, single submitter. Criteria: Invitae Variant Classification Sherloc (09022015). Collection method: clinical testing. Allele origin: germline.
Comment: This sequence change replaces aspartic acid, which is acidic and polar, with glycine, which is neutral and non-polar, at codon 103 of the NCKAP1L protein (p.Asp103Gly). This variant is present in population databases (rs748465043, gnomAD 0.007%). This variant has not been reported in the literature in individuals affected with NCKAP1L-related conditions. ClinVar contains an entry for this variant (Variation ID: 2041614). An algorithm developed to predict the effect of missense changes on protein structure and function (PolyPhen-2) suggests that this variant is likely to be disruptive. In summary, the available evidence is currently insufficient to determine the role of this variant in disease. Therefore, it has been classified as a Variant of Uncertain Significance.